The following is an entry in ClinVar:

ClinVar aggregate classification (germline): Uncertain significance (1 of 4 stars; one submission).

Allele frequency attached by ClinVar (database versions not stated): gnomAD exomes below 0.00001; TOPMed below 0.00001.

Submission:

Labcorp Genetics (formerly Invitae), Labcorp
Classification: Uncertain significance. Last evaluated: 2023-05-09. Review status: criteria provided, single submitter. Criteria: Invitae Variant Classification Sherloc (09022015). Collection method: clinical testing. Allele origin: germline.
Comment: This variant is not present in population databases (gnomAD no frequency). This variant has not been reported in the literature in individuals affected with SON-related conditions. ClinVar contains an entry for this variant (Variation ID: 2097044). An algorithm developed to predict the effect of missense changes on protein structure and function (PolyPhen-2) suggests that this variant is likely to be disruptive. In summary, the available evidence is currently insufficient to determine the role of this variant in disease. Therefore, it has been classified as a Variant of Uncertain Significance. This sequence change replaces methionine, which is neutral and non-polar, with valine, which is neutral and non-polar, at codon 1041 of the SON protein (p.Met1041Val).

NM_138927.4(SON):c.3121A>G (p.Met1041Val)

Gene: SON (SON DNA and RNA binding protein; plus strand). Cytogenetic location: 21q22.11.
Variant type: single nucleotide variant.
Coding change: c.3121A>G on transcript NM_138927.4 (MANE Select); coding-DNA position 3121, A replaced by G.
Protein change: p.Met1041Val; replaces methionine 1041 with valine.
Molecular consequence: missense variant. On other transcripts: non-coding transcript variant (1), intron variant (1).
Genome position (GRCh38, 1-based): chr21:33,552,352, A>G. VCF-style: chr21-33552352-A-G. GRCh37 (hg19) VCF-style: chr21-34924658-A-G.
Other names: c.3121A>G, p.Met1041Val (NM_001291411.2, NM_001412133.1, NM_032195.3 and 2 more transcripts); c.245-4804A>G (NM_001291412.3); short protein forms M1041V.
Identifiers: ClinVar variation 2097044 (VCV002097044.4), dbSNP rs2085819487, ClinGen allele CA410159503.
Genomic context (GRCh38, chr21:33,552,352, plus strand): 5'-GAGCGGTCTATGATGTCCCCTATGGCTGAACGCTCTATGATGTCAGCCTACGAGCGCTCT[A>G]TGATGTCAGCCTACGAGCGCTCTATGATGTCCCCTATGGCTGAGCGCTCTATGATGTCAG-3'
Protein context (NP_620305.3, residues 1031-1051): RSMMSAYERS[Met1041Val]MSAYERSMMS